The following is an entry in ClinVar:

NM_001267550.2(TTN):c.29944G>A (p.Ala9982Thr)

Gene: TTN (titin; minus strand). Cytogenetic location: 2q31.2.
Variant type: single nucleotide variant.
Coding change: c.29944G>A on transcript NM_001267550.2 (MANE Select); coding-DNA position 29944, G replaced by A.
Protein change: p.Ala9982Thr; replaces alanine 9982 with threonine.
Molecular consequence: missense variant. On other transcripts: intron variant (3).
Genome position (GRCh38, 1-based): chr2:178,704,528, C>T on the plus strand (G>A on the coding strand, the complement: TTN is on the minus strand). VCF-style: chr2-178704528-C-T. GRCh37 (hg19) VCF-style: chr2-179569255-C-T.
Other names: p.Ala8738Thr; c.28993G>A, p.Ala9665Thr (NM_001256850.1); c.26212G>A, p.Ala8738Thr (NM_133378.4); c.13282+33554G>A (NM_003319.4); c.13858+33554G>A (NM_133437.4); c.13657+33554G>A (NM_133432.3); short protein forms A8738T, A9982T, A9665T.
Identifiers: ClinVar variation 290456 (VCV000290456.15), dbSNP rs200745162, ClinGen allele CA1999281.
Genomic context (GRCh38, chr2:178,704,528, plus strand): 5'-ATTTAAATCTCACAAGTATTTCATAAGCCTTTTCTAACTTACCAATTACAGTTAGTTTAG[C>T]GCTAGCGATGTGTGGACCACAAACCAATCGATAATTGCCCTGGTCTTTAAGTTGACAGTT-3'
Protein context (NP_001254479.2, residues 9972-9992): RLVCGPHIAS[Ala9982Thr]KLTVIEPAWE

ClinVar aggregate classification (germline): Uncertain significance. Review status: criteria provided, multiple submitters, no conflicts (2 of 4 stars). 7 submissions from 7 submitters: Uncertain significance (7). Last evaluated 2026-09-17.

Conditions:
TTN-related disorder. Also called: TTN-related condition; TTN-related disease; TTN-related disorders.
Dilated cardiomyopathy 1G (CMD1G). Identifiers: Orphanet 154, MedGen C1858763, MONDO:0011400, OMIM 604145.
Autosomal recessive limb-girdle muscular dystrophy type 2J (LGMDR10). Also called: Limb-girdle muscular dystrophy, type 2J; MUSCULAR DYSTROPHY, LIMB-GIRDLE, AUTOSOMAL RECESSIVE 10. Identifiers: Orphanet 140922, MedGen C1837342, MONDO:0012127, OMIM 608807.

Allele frequency attached by ClinVar (database versions not stated): ExAC 0.00005; gnomAD 0.00006; gnomAD exomes 0.00006 and 0.00007; TOPMed 0.00010; ESP Exome Variant Server 0.00025.
gnomAD v4.1: 114 of 1,610,098 alleles (0.0071%); highest among the groups gnomAD compares: Non-Finnish European, 0.0085%; no homozygotes.

Submissions (7):

PreventionGenetics, part of Exact Sciences
Classification: Uncertain significance for TTN-related condition. Last evaluated: 2026-09-17. Review status: criteria provided, single submitter. Criteria: ACMG Guidelines, 2015. Collection method: clinical testing. Allele origin: germline.
Comment: The TTN c.29944G>A variant is predicted to result in the amino acid substitution p.Ala9982Thr. To our knowledge, this variant has not been reported in the literature. This variant is reported in 0.017% of alleles in individuals of Latino descent in gnomAD. At this time, the clinical significance of this variant is uncertain due to the absence of conclusive functional and genetic evidence.

Mayo Clinic Laboratories, Mayo Clinic
Classification: Uncertain significance. Last evaluated: 2025-10-09. Review status: criteria provided, single submitter. Criteria: ACMG Guidelines, 2015. Collection method: clinical testing. Allele origin: germline. Observed: 2 variant alleles.

Women's Health and Genetics/Laboratory Corporation of America, LabCorp
Classification: Uncertain significance. Last evaluated: 2025-05-23. Review status: criteria provided, single submitter. Criteria: LabCorp Variant Classification Summary - May 2015. Collection method: clinical testing. Allele origin: germline.
Comment: Variant summary: TTN c.26212G>A (p.Ala8738Thr) results in a non-conservative amino acid change in the encoded protein sequence. Algorithms developed to predict the effect of missense changes on protein structure and function are either unavailable or do not agree on the potential impact of this missense change. The variant allele was found at a frequency of 5.7e-05 in 246830 control chromosomes. This frequency is not significantly higher than estimated for a pathogenic variant in TTN causing Autosomal Recessive Titinopathy (5.7e-05 vs 0.00039), allowing no conclusion about variant significance. To our knowledge, no occurrence of c.26212G>A in individuals affected with Autosomal Recessive Titinopathy and no experimental evidence demonstrating its impact on protein function have been reported. ClinVar contains an entry for this variant (Variation ID: 290456). Based on the evidence outlined above, the variant was classified as uncertain significance.

Revvity Omics, Revvity
Classification: Uncertain significance. Last evaluated: 2019-08-08. Review status: criteria provided, single submitter. Criteria: ACMG Guidelines, 2015. Collection method: clinical testing. Allele origin: germline.

Labcorp Genetics (formerly Invitae), Labcorp
Classification: Uncertain significance for Dilated cardiomyopathy 1G; Autosomal recessive limb-girdle muscular dystrophy type 2J. Last evaluated: 2017-10-14. Review status: criteria provided, single submitter. Criteria: Invitae Variant Classification Sherloc (09022015). Collection method: clinical testing. Allele origin: germline.

CeGaT Center for Human Genetics Tuebingen
Classification: Uncertain significance. Last evaluated: 2017-04-30. Review status: criteria provided, single submitter. Criteria: Praxis fuer Humangenetik Tuebingen - Variant Classification Criteria. Collection method: clinical testing. Allele origin: germline. Affected: yes. Observed: 2 variant alleles.

Eurofins Ntd Llc (ga)
Classification: Uncertain significance. Last evaluated: 2016-09-22. Review status: criteria provided, single submitter. Criteria: EGL Classification Definitions 2015. Collection method: clinical testing. Allele origin: germline. Observed: 2 variant alleles, 2 heterozygotes.